The following is an entry in ClinVar:

NM_020232.5(PSMG2):c.173A>G (p.Asn58Ser)

Gene: PSMG2 (proteasome assembly chaperone 2; plus strand). Cytogenetic location: 18p11.21.
Variant type: single nucleotide variant.
Coding change: c.173A>G on transcript NM_020232.5 (MANE Select); coding-DNA position 173, A replaced by G.
Protein change: p.Asn58Ser; replaces asparagine 58 with serine.
Molecular consequence: missense variant.
Genome position (GRCh38, 1-based): chr18:12,706,665, A>G. VCF-style: chr18-12706665-A-G. GRCh37 (hg19) VCF-style: chr18-12706664-A-G.
Other names: c.80A>G, p.Asn27Ser (NM_147163.2); short protein forms N27S, N58S.
Identifiers: ClinVar variation 4730198 (VCV004730198.1).

ClinVar aggregate classification (germline): Uncertain significance (1 of 4 stars; one submission).

gnomAD v4.1: 1 of 1,613,826 alleles (0.000062%); highest among the groups gnomAD compares: Non-Finnish European, 0.000085%; no homozygotes.

Submission:

Labcorp Genetics (formerly Invitae), Labcorp
Classification: Uncertain significance. Last evaluated: 2025-10-29. Review status: criteria provided, single submitter. Criteria: Invitae Variant Classification Sherloc (09022015). Collection method: clinical testing. Allele origin: germline.
Comment: This sequence change replaces asparagine, which is neutral and polar, with serine, which is neutral and polar, at codon 58 of the PSMG2 protein (p.Asn58Ser). This variant is not present in population databases (gnomAD no frequency). This variant has not been reported in the literature in individuals affected with PSMG2-related conditions. An algorithm developed to predict the effect of missense changes on protein structure and function (PolyPhen-2) suggests that this variant is likely to be disruptive. In summary, the available evidence is currently insufficient to determine the role of this variant in disease. Therefore, it has been classified as a Variant of Uncertain Significance.